The following is an entry in ClinVar:

ClinVar aggregate classification (germline): Uncertain significance. Review status: criteria provided, multiple submitters, no conflicts (2 of 4 stars). 3 submissions from 3 submitters: Uncertain significance (3). Last evaluated 2025-06-29.

Conditions:
Hereditary cancer-predisposing syndrome. Also called: Neoplastic Syndromes, Hereditary; Tumor predisposition; Hereditary neoplastic syndrome; Hereditary Cancer Syndrome. Identifiers: Orphanet 140162, MedGen C0027672, MeSH D009386, MONDO:0015356.
Hereditary nonpolyposis colorectal neoplasms. Identifiers: MedGen C0009405, MeSH D003123.

Submissions (3):

Color Diagnostics, LLC DBA Color Health
Classification: Uncertain significance for Hereditary cancer-predisposing syndrome. Last evaluated: 2025-06-29. Review status: criteria provided, single submitter. Criteria: ACMG Guidelines, 2015. Collection method: clinical testing. Allele origin: germline.
Comment: This missense variant replaces leucine with valine at codon 1015 of the MSH6 protein. Computational prediction suggests that this variant may not impact protein structure and function. To our knowledge, functional studies have not been reported for this variant. This variant has not been reported in individuals affected with MSH6-related disorders in the literature. This variant has not been identified in the general population by the Genome Aggregation Database (gnomAD). The available evidence is insufficient to determine the role of this variant in disease conclusively. Therefore, this variant is classified as a Variant of Uncertain Significance.

Ambry Genetics
Classification: Uncertain significance for Hereditary cancer-predisposing syndrome. Last evaluated: 2023-04-25. Review status: criteria provided, single submitter. Criteria: Ambry Variant Classification Scheme 2023. Collection method: clinical testing. Allele origin: germline.
Comment: The p.L1015V variant (also known as c.3043T>G), located in coding exon 4 of the MSH6 gene, results from a T to G substitution at nucleotide position 3043. The leucine at codon 1015 is replaced by valine, an amino acid with highly similar properties. This amino acid position is not well conserved in available vertebrate species. In addition, the in silico prediction for this alteration is inconclusive. Since supporting evidence is limited at this time, the clinical significance of this alteration remains unclear.

Labcorp Genetics (formerly Invitae), Labcorp
Classification: Uncertain significance for Hereditary nonpolyposis colorectal neoplasms. Last evaluated: 2018-08-12. Review status: criteria provided, single submitter. Criteria: Invitae Variant Classification Sherloc (09022015). Collection method: clinical testing. Allele origin: germline.
Comment: In summary, the available evidence is currently insufficient to determine the role of this variant in disease. Therefore, it has been classified as a Variant of Uncertain Significance. This variant is not present in population databases (ExAC no frequency). This variant has not been reported in the literature in individuals with MSH6-related disease. Algorithms developed to predict the effect of missense changes on protein structure and function are either unavailable or do not agree on the potential impact of this missense change (SIFT: "Tolerated"; PolyPhen-2: "Probably Damaging"; Align-GVGD: "Class C0"). Algorithms developed to predict the effect of sequence changes on RNA splicing suggest that this variant may create or strengthen a splice site, but this prediction has not been confirmed by published transcriptional studies. This sequence change replaces leucine with valine at codon 1015 of the MSH6 protein (p.Leu1015Val). The leucine residue is moderately conserved and there is a small physicochemical difference between leucine and valine.

NM_000179.3(MSH6):c.3043T>G (p.Leu1015Val)

Gene: MSH6 (mutS homolog 6; plus strand). Cytogenetic location: 2p16.3.
Variant type: single nucleotide variant.
Coding change: c.3043T>G on transcript NM_000179.3 (MANE Select); coding-DNA position 3043, T replaced by G.
Protein change: p.Leu1015Val; replaces leucine 1015 with valine.
Molecular consequence: missense variant.
Genome position (GRCh38, 1-based): chr2:47,801,026, T>G. VCF-style: chr2-47801026-T-G. GRCh37 (hg19) VCF-style: chr2-48028165-T-G.
Other names: c.2653T>G, p.Leu885Val (NM_001281492.2); c.2137T>G, p.Leu713Val (NM_001281493.2, NM_001281494.2); short protein forms L1015V, L713V, L885V.
Identifiers: ClinVar variation 643696 (VCV000643696.11), dbSNP rs1572729847, ClinGen allele CA346756488.
Genomic context (GRCh38, chr2:47,801,026, plus strand): 5'-GAGTTGAAATCTACCAAGAAGGGCTGTAAACGATACTGGACCAAAACTATTGAAAAGAAG[T>G]TGGCTAATCTCATAAATGCTGAAGAACGGAGGGATGTATCATTGAAGGACTGCATGCGGC-3'
Protein context (NP_000170.1, residues 1005-1025): RYWTKTIEKK[Leu1015Val]ANLINAEERR